The following is an entry in ClinVar:

NM_002641.4(PIGA):c.193C>T (p.His65Tyr)

Gene: PIGA (phosphatidylinositol glycan anchor biosynthesis class A; minus strand). Cytogenetic location: Xp22.2.
Variant type: single nucleotide variant.
Coding change: c.193C>T on transcript NM_002641.4 (MANE Select); coding-DNA position 193, C replaced by T.
Protein change: p.His65Tyr; replaces histidine 65 with tyrosine.
Molecular consequence: missense variant. On other transcripts: non-coding transcript variant (1), intron variant (1).
Genome position (GRCh38, 1-based): chrX:15,331,738, G>A on the plus strand (C>T on the coding strand, the complement: PIGA is on the minus strand). VCF-style: chrX-15331738-G-A. GRCh37 (hg19) VCF-style: chrX-15349860-G-A.
Other names: c.13+3763C>T (NM_020473.3); short protein forms H65Y.
Identifiers: ClinVar variation 656542 (VCV000656542.1), dbSNP rs1602212285, ClinGen allele CA412341042.

ClinVar aggregate classification (germline): Likely pathogenic (1 of 4 stars; one submission).

Conditions:
Multiple congenital anomalies-hypotonia-seizures syndrome 2 (MCAHS2). Also called: GLYCOSYLPHOSPHATIDYLINOSITOL BIOSYNTHESIS DEFECT 4; EPILEPTIC ENCEPHALOPATHY, EARLY INFANTILE, 20. Identifiers: Orphanet 300496, MedGen C3275508, MONDO:0010466, OMIM 300868.

Submission:

Labcorp Genetics (formerly Invitae), Labcorp
Classification: Likely pathogenic for Multiple congenital anomalies-hypotonia-seizures syndrome 2. Last evaluated: 2018-11-07. Review status: criteria provided, single submitter. Criteria: Invitae Variant Classification Sherloc (09022015). Collection method: clinical testing. Allele origin: germline.
Comment: This sequence change replaces histidine with tyrosine at codon 65 of the PIGA protein (p.His65Tyr). The histidine residue is highly conserved and there is a moderate physicochemical difference between histidine and tyrosine. This variant is not present in population databases (ExAC no frequency). Algorithms developed to predict the effect of missense changes on protein structure and function are either unavailable or do not agree on the potential impact of this missense change (SIFT: "Deleterious"; PolyPhen-2: "Benign"; Align-GVGD: "Class C0"). Algorithms developed to predict the effect of sequence changes on RNA splicing suggest that this variant may create or strengthen a splice site, but this prediction has not been confirmed by published transcriptional studies. In summary, the currently available evidence indicates that the variant is pathogenic, but additional data are needed to prove that conclusively. Therefore, this variant has been classified as Likely Pathogenic.